The following is an entry in ClinVar:

NM_022436.3(ABCG5):c.296T>G (p.Met99Arg)

Gene: ABCG5 (ATP binding cassette subfamily G member 5; minus strand). Cytogenetic location: 2p21.
Variant type: single nucleotide variant.
Coding change: c.296T>G on transcript NM_022436.3 (MANE Select); coding-DNA position 296, T replaced by G.
Protein change: p.Met99Arg; replaces methionine 99 with arginine.
Molecular consequence: missense variant.
Genome position (GRCh38, 1-based): chr2:43,832,053, A>C on the plus strand (T>G on the coding strand, the complement: ABCG5 is on the minus strand). VCF-style: chr2-43832053-A-C. GRCh37 (hg19) VCF-style: chr2-44059192-A-C.
Other names: short protein forms M99R.
Identifiers: ClinVar variation 1684589 (VCV001684589.1), dbSNP rs2104866076, ClinGen allele CA346668239.

ClinVar aggregate classification (germline): Uncertain significance (1 of 4 stars; one submission).

Conditions:
Sitosterolemia 2. Identifiers: MedGen C5231453, MONDO:0020748, OMIM 618666.

Submission:

SIB Swiss Institute of Bioinformatics
Classification: Uncertain significance for Sitosterolemia 2. Last evaluated: 2022-05-18. Review status: criteria provided, single submitter. Criteria: ACMG Guidelines, 2015. Collection method: curation. Allele origin: unknown.
Comment: This variant is interpreted as a variant of uncertain significance for Sitosterolemia 2, autosomal recessive. The following ACMG Tag(s) were applied: Absent from controls (or at extremely low frequency if recessive) in Exome Sequencing Project, 1000 Genomes Project, or Exome Aggregation Consortium (PM2); Multiple lines of computational evidence support a deleterious effect on the gene or gene product (PP3).

Literature cited by the submitters: PubMed 35557526.